The following is an entry in ClinVar:

ClinVar aggregate classification (germline): Uncertain significance (1 of 4 stars; one submission).

Conditions:
Hypertrophic cardiomyopathy 26. Also called: Cardiomyopathy, familial hypertrophic, 26. Identifiers: Orphanet 75249, MedGen C4310749, MONDO:0014883, OMIM 617047.
Myofibrillar myopathy 5. Also called: Filaminopathy (type); FILAMINOPATHY, AUTOSOMAL DOMINANT. Identifiers: Orphanet 171445, MedGen C1836050, MONDO:0012289, OMIM 609524.
Distal myopathy with posterior leg and anterior hand involvement. Also called: WILLIAMS DISTAL MYOPATHY. Identifiers: Orphanet 63273, MedGen C3279722, MONDO:0013550, OMIM 614065.

Submission:

Labcorp Genetics (formerly Invitae), Labcorp
Classification: Uncertain significance for Distal myopathy with posterior leg and anterior hand involvement; Myofibrillar myopathy 5; Hypertrophic cardiomyopathy 26. Last evaluated: 2025-06-18. Review status: criteria provided, single submitter. Criteria: Invitae Variant Classification Sherloc (09022015). Collection method: clinical testing. Allele origin: germline.
Comment: This sequence change replaces valine, which is neutral and non-polar, with leucine, which is neutral and non-polar, at codon 1576 of the FLNC protein (p.Val1576Leu). This variant is not present in population databases (gnomAD no frequency). This variant has not been reported in the literature in individuals affected with FLNC-related conditions. Invitae Evidence Modeling of protein sequence and biophysical properties (such as structural, functional, and spatial information, amino acid conservation, physicochemical variation, residue mobility, and thermodynamic stability) has been performed for this missense variant. However, the output from this modeling did not meet the statistical confidence thresholds required to predict the impact of this variant on FLNC protein function. In summary, the available evidence is currently insufficient to determine the role of this variant in disease. Therefore, it has been classified as a Variant of Uncertain Significance.

NM_001458.5(FLNC):c.4726G>C (p.Val1576Leu)

Gene: FLNC (filamin C; plus strand). Cytogenetic location: 7q32.1.
Variant type: single nucleotide variant.
Coding change: c.4726G>C on transcript NM_001458.5 (MANE Select); coding-DNA position 4726, G replaced by C.
Protein change: p.Val1576Leu; replaces valine 1576 with leucine.
Molecular consequence: missense variant.
Genome position (GRCh38, 1-based): chr7:128,848,706, G>C. VCF-style: chr7-128848706-G-C. GRCh37 (hg19) VCF-style: chr7-128488760-G-C.
Other names: c.4726G>C, p.Val1576Leu (NM_001127487.2); short protein forms V1576L.
Identifiers: ClinVar variation 4812775 (VCV004812775.1).
Genomic context (GRCh38, chr7:128,848,706, plus strand): 5'-GCCAGCCTGCCTGTGGAGTTCACCATCGACGCACGGGACGCGGGCGAGGGGTTGCTCACT[G>C]TCCAGATCTTGGTGAGTCTCTGTGCATCCCACCCCGCAGGTCATGCTCCAGGCACAGGCG-3'
Protein context (NP_001449.3, residues 1566-1586): ARDAGEGLLT[Val1576Leu]QILDPEGKPK